The following is an entry in ClinVar:

NM_033026.6(PCLO):c.11992G>A (p.Ala3998Thr)

Gene: PCLO (piccolo presynaptic cytomatrix protein; minus strand). Cytogenetic location: 7q21.11.
Variant type: single nucleotide variant.
Coding change: c.11992G>A on transcript NM_033026.6 (MANE Select); coding-DNA position 11992, G replaced by A.
Protein change: p.Ala3998Thr; replaces alanine 3998 with threonine.
Molecular consequence: missense variant.
Genome position (GRCh38, 1-based): chr7:82,915,994, C>T on the plus strand (G>A on the coding strand, the complement: PCLO is on the minus strand). VCF-style: chr7-82915994-C-T. GRCh37 (hg19) VCF-style: chr7-82545310-C-T.
Other names: c.11992G>A (NM_033026.5); c.11992G>A, p.Ala3998Thr (NM_014510.3); short protein forms A3998T.
Identifiers: ClinVar variation 1905932 (VCV001905932.3), dbSNP rs780418136, ClinGen allele CA367890741.

ClinVar aggregate classification (germline): Uncertain significance. Review status: criteria provided, multiple submitters, no conflicts (2 of 4 stars). 2 submissions from 2 submitters: Uncertain significance (2). Last evaluated 2025-09-11.

Conditions:
Inborn genetic diseases. Identifiers: MedGen C0950123, MeSH D030342.

Allele frequency attached by ClinVar (database versions not stated): TOPMed below 0.00001.
gnomAD v4.1: 1 of 1,612,728 alleles (0.000062%); highest among the groups gnomAD compares: Admixed American, 0.0017%; no homozygotes.

Submissions (2):

Ambry Genetics
Classification: Uncertain significance for Inborn genetic diseases. Last evaluated: 2025-09-11. Review status: criteria provided, single submitter. Criteria: Ambry Variant Classification Scheme 2023. Collection method: clinical testing. Allele origin: germline.

Labcorp Genetics (formerly Invitae), Labcorp
Classification: Uncertain significance. Last evaluated: 2022-06-10. Review status: criteria provided, single submitter. Criteria: Invitae Variant Classification Sherloc (09022015). Collection method: clinical testing. Allele origin: germline.
Comment: This sequence change replaces alanine, which is neutral and non-polar, with threonine, which is neutral and polar, at codon 3998 of the PCLO protein (p.Ala3998Thr). This variant is not present in population databases (gnomAD no frequency). This variant has not been reported in the literature in individuals affected with PCLO-related conditions. Algorithms developed to predict the effect of missense changes on protein structure and function are either unavailable or do not agree on the potential impact of this missense change (SIFT: "Deleterious"; PolyPhen-2: "Not Available"; Align-GVGD: "Class C0"). In summary, the available evidence is currently insufficient to determine the role of this variant in disease. Therefore, it has been classified as a Variant of Uncertain Significance.